The following is an entry in ClinVar:

NC_000002.12:g.(?_29193224)_(29193932_?)dup

Gene: ALK (ALK receptor tyrosine kinase; minus strand). Cytogenetic location: 2p23.2.
Variant type: Duplication.
Identifiers: ClinVar variation 831438 (VCV000831438.4).

ClinVar aggregate classification (germline): Uncertain significance (1 of 4 stars; one submission).

Conditions:
Neuroblastoma, susceptibility to, 3. Also called: ALK-Related Neuroblastic Tumor Susceptibility. Identifiers: Orphanet 635, MedGen C2751681, MONDO:0013083, OMIM 613014.

Submission:

Labcorp Genetics (formerly Invitae), Labcorp
Classification: Uncertain significance for Neuroblastoma, susceptibility to, 3. Last evaluated: 2022-11-15. Review status: criteria provided, single submitter. Criteria: Invitae Variant Classification Sherloc (09022015). Collection method: clinical testing. Allele origin: germline.
Comment: In summary, the available evidence is currently insufficient to determine the role of this variant in disease. Therefore, it has been classified as a Variant of Uncertain Significance. This variant has not been reported in the literature in individuals affected with ALK-related conditions. This variant results in a copy number gain of the genomic region encompassing exon(s) 29 of the ALK gene. This region includes the termination codon of the gene. This copy number gain extends beyond the assayed region for this gene and therefore may encompass additional genes. As the precise location of this event is unknown, it may be in tandem or it may be located elsewhere in the genome.